The following is an entry in ClinVar:

ClinVar aggregate classification (germline): Uncertain significance (1 of 4 stars; one submission).

gnomAD v4.1: 2 of 1,614,120 alleles (0.00012%); highest among the groups gnomAD compares: South Asian, 0.0011%; no homozygotes.

Submission:

Labcorp Genetics (formerly Invitae), Labcorp
Classification: Uncertain significance. Last evaluated: 2022-02-28. Review status: criteria provided, single submitter. Criteria: Invitae Variant Classification Sherloc (09022015). Collection method: clinical testing. Allele origin: germline.
Comment: In summary, the available evidence is currently insufficient to determine the role of this variant in disease. Therefore, it has been classified as a Variant of Uncertain Significance. Algorithms developed to predict the effect of missense changes on protein structure and function are either unavailable or do not agree on the potential impact of this missense change (SIFT: "Deleterious"; PolyPhen-2: "Benign"; Align-GVGD: "Class C0"). This variant has not been reported in the literature in individuals affected with MFAP5-related conditions. This variant is present in population databases (no rsID available, gnomAD 0.003%). This sequence change replaces valine, which is neutral and non-polar, with leucine, which is neutral and non-polar, at codon 101 of the MFAP5 protein (p.Val101Leu).

NM_003480.4(MFAP5):c.301G>C (p.Val101Leu)

Gene: MFAP5 (microfibril associated protein 5; minus strand). Cytogenetic location: 12p13.31.
Variant type: single nucleotide variant.
Coding change: c.301G>C on transcript NM_003480.4 (MANE Select); coding-DNA position 301, G replaced by C.
Protein change: p.Val101Leu; replaces valine 101 with leucine.
Molecular consequence: missense variant. On other transcripts: non-coding transcript variant (2), intron variant (1).
Genome position (GRCh38, 1-based): chr12:8,650,536, C>G on the plus strand (G>C on the coding strand, the complement: MFAP5 is on the minus strand). VCF-style: chr12-8650536-C-G. GRCh37 (hg19) VCF-style: chr12-8803132-C-G.
Other names: c.271G>C, p.Val91Leu (NM_001297709.2); c.235G>C, p.Val79Leu (NM_001297710.2); c.226G>C, p.Val76Leu (NM_001297711.2); c.218-2333G>C (NM_001297712.2); short protein forms V101L, V76L, V79L, V91L.
Identifiers: ClinVar variation 1924906 (VCV001924906.5), dbSNP rs1457814546, ClinGen allele CA384039069.